The following is an entry in ClinVar:

ClinVar aggregate classification (germline): Uncertain significance. Review status: criteria provided, multiple submitters, no conflicts (2 of 4 stars). 2 submissions from 2 submitters: Uncertain significance (2). Last evaluated 2025-06-06.

Conditions:
Epileptic encephalopathy. Identifiers: MedGen C0543888, HP:0200134.

gnomAD v4.1: 15 of 1,613,854 alleles (0.00093%); highest among the groups gnomAD compares: Middle Eastern, 0.016%; no homozygotes.

Submissions (2):

Ambry Genetics
Classification: Uncertain significance. Last evaluated: 2025-06-06. Review status: criteria provided, single submitter. Criteria: Ambry Variant Classification Scheme 2023. Collection method: clinical testing. Allele origin: germline.

Labcorp Genetics (formerly Invitae), Labcorp
Classification: Uncertain significance for Epileptic encephalopathy. Last evaluated: 2022-08-31. Review status: criteria provided, single submitter. Criteria: Invitae Variant Classification Sherloc (09022015). Collection method: clinical testing. Allele origin: germline.
Comment: This variant has not been reported in the literature in individuals affected with RYR3-related conditions. This variant is not present in population databases (gnomAD no frequency). This sequence change replaces arginine, which is basic and polar, with leucine, which is neutral and non-polar, at codon 3356 of the RYR3 protein (p.Arg3356Leu). ClinVar contains an entry for this variant (Variation ID: 952208). In summary, the available evidence is currently insufficient to determine the role of this variant in disease. Therefore, it has been classified as a Variant of Uncertain Significance. Algorithms developed to predict the effect of missense changes on protein structure and function are either unavailable or do not agree on the potential impact of this missense change (SIFT: "Deleterious"; PolyPhen-2: "Benign"; Align-GVGD: "Class C0").

NM_001036.6(RYR3):c.10067G>T (p.Arg3356Leu)

Gene: RYR3 (ryanodine receptor 3; plus strand). Cytogenetic location: 15q14.
Variant type: single nucleotide variant.
Coding change: c.10067G>T on transcript NM_001036.6 (MANE Select); coding-DNA position 10067, G replaced by T.
Protein change: p.Arg3356Leu; replaces arginine 3356 with leucine.
Molecular consequence: missense variant.
Genome position (GRCh38, 1-based): chr15:33,810,519, G>T. VCF-style: chr15-33810519-G-T. GRCh37 (hg19) VCF-style: chr15-34102720-G-T.
Other names: c.10052G>T, p.Arg3351Leu (NM_001243996.4); c.10067G>T (NM_001036.3); short protein forms R3356L, R3351L.
Identifiers: ClinVar variation 952208 (VCV000952208.10), dbSNP rs781646279, ClinGen allele CA391581419.